The following is an entry in ClinVar:

NM_000075.4(CDK4):c.126AGG[2] (p.Gly48del)

Genes: CDK4 (cyclin dependent kinase 4; minus strand), LOC130008148 (ATAC-STARR-seq lymphoblastoid silent region 4588; plus strand). Cytogenetic location: 12q14.1.
Variant type: Microsatellite.
Coding change: c.126AGG[2] on transcript NM_000075.4 (MANE Select); two copies in a row of the 3-base unit AGG starting at c.126; the reference has three copies in a row; one copy, 3 bases deleted; also written c.132_134del.
Protein change: p.Gly48del; deletes glycine 48.
Molecular consequence: inframe deletion.
Genome position (GRCh38, 1-based): chr12:57,751,584-57,751,586, CCT deleted on the plus strand (AGG on the coding strand, the reverse complement: CDK4 is on the minus strand); deleting any 3 consecutive bases within chr12:57,751,584-57,751,594 gives the same sequence; the position shown is the placement nearest the transcript's 3' end. VCF-style (leftmost placement, unchanged base first): chr12-57751583-ACCT-A. GRCh37 (hg19) VCF-style: chr12-58145366-ACCT-A.
Other names: c.132_134del (NM_000075.3, NM_000075.2); short protein forms G48del.
Identifiers: ClinVar variation 231912 (VCV000231912.15), dbSNP rs770784286, ClinGen allele CA6657883.

ClinVar aggregate classification (germline): Uncertain significance. Review status: criteria provided, multiple submitters, no conflicts (2 of 4 stars). 4 submissions from 4 submitters: Uncertain significance (3). 1 of the submissions does not count toward it. Last evaluated 2025-12-27.

Conditions:
Melanoma, cutaneous malignant, susceptibility to, 3. Also called: Cutaneous malignant melanoma 3. Identifiers: Orphanet 618, MedGen C1836892, MONDO:0012183, OMIM 609048.
Hereditary cancer-predisposing syndrome. Also called: Neoplastic Syndromes, Hereditary; Tumor predisposition; Hereditary Cancer Syndrome; Hereditary neoplastic syndrome. Identifiers: Orphanet 140162, MedGen C0027672, MeSH D009386, MONDO:0015356.
Familial melanoma. Also called: Hereditary melanoma; Hereditary cutaneous melanoma. Identifiers: Orphanet 618, MedGen C1512419, MONDO:0018961.

Submissions (4):

Labcorp Genetics (formerly Invitae), Labcorp
Classification: Uncertain significance for Familial melanoma. Last evaluated: 2025-12-27. Review status: criteria provided, single submitter. Criteria: Invitae Variant Classification Sherloc (09022015). Collection method: clinical testing. Allele origin: germline.
Comment: This variant, c.132_134del, results in the deletion of 1 amino acid(s) of the CDK4 protein (p.Gly48del), but otherwise preserves the integrity of the reading frame. This variant is present in population databases (rs770784286, gnomAD 0.003%). This variant has not been reported in the literature in individuals affected with CDK4-related conditions. ClinVar contains an entry for this variant (Variation ID: 231912). Experimental studies and prediction algorithms are not available or were not evaluated, and the functional significance of this variant is currently unknown. In summary, the available evidence is currently insufficient to determine the role of this variant in disease. Therefore, it has been classified as a Variant of Uncertain Significance.

Ambry Genetics
Classification: Uncertain significance for Hereditary cancer-predisposing syndrome. Last evaluated: 2024-01-12. Review status: criteria provided, single submitter. Criteria: Ambry Variant Classification Scheme 2023. Collection method: clinical testing. Allele origin: germline.
Comment: The c.132_134delAGG variant (also known as p.G48del) is located in coding exon 1 of the CDK4 gene. This variant results from an in-frame AGG deletion at nucleotide positions 132 to 134. This results in the in-frame deletion of a glycine at codon 48. This variant was detected in a cohort of 888 patients with multiple primary melanoma and/or familial melanoma and was classified as a variant of unknown significance by the authors (De Simone P et al. Int J Mol Sci, 2020 Dec;21). This amino acid position is highly conserved in available vertebrate species. In addition, this alteration is predicted to be neutral by in silico analysis (Choi Y et al. PLoS ONE. 2012; 7(10):e46688). Since supporting evidence is limited at this time, the clinical significance of this alteration remains unclear.

GeneDx
Classification: Uncertain significance. Last evaluated: 2023-05-08. Review status: criteria provided, single submitter. Criteria: GeneDx Variant Classification Process June 2021. Collection method: clinical testing. Allele origin: germline. Affected: yes.
Comment: Not observed at significant frequency in large population cohorts (gnomAD); In silico analysis supports that this variant does not alter protein structure/function; Observed in a patient with melanoma (De Simone et al., 2020); This variant is associated with the following publications: (PMID: 31455347, 33322357)

Counsyl
Classification: Uncertain significance for Melanoma, cutaneous malignant, susceptibility to, 3. Last evaluated: 2016-08-01. Review status: no assertion criteria provided. Collection method: clinical testing. Allele origin: unknown. Not counted in ClinVar's aggregate classification.

Literature cited by the submitters: PubMed 33322357 (cited by Ambry Genetics).